The following is an entry in ClinVar:

NM_001382391.1(CSPP1):c.3520G>C (p.Asp1174His)

Genes: ARFGEF1 (ARF guanine nucleotide exchange factor 1; minus strand), CSPP1 (centrosome and spindle pole associated protein 1; plus strand). Cytogenetic location: 8q13.2.
Variant type: single nucleotide variant.
Coding change: c.3520G>C on transcript NM_001382391.1 (MANE Select); coding-DNA position 3520, G replaced by C.
Protein change: p.Asp1174His; replaces aspartic acid 1174 with histidine.
Molecular consequence: missense variant. On other transcripts: 3 prime UTR variant (1), intron variant (2).
Genome position (GRCh38, 1-based): chr8:67,195,432, G>C. VCF-style: chr8-67195432-G-C. GRCh37 (hg19) VCF-style: chr8-68107667-G-C.
Other names: c.2470G>C, p.Asp824His (NM_001291339.2); c.3439G>C, p.Asp1147His (NM_001363131.2); c.3325G>C, p.Asp1109His (NM_001363132.2); c.3244G>C, p.Asp1082His (NM_001363133.2); c.3586G>C, p.Asp1196His (NM_001364869.1); c.3406G>C, p.Asp1136His (NM_001364870.1); c.3352G>C, p.Asp1118His (NM_001438330.1); c.*12G>C (NM_001438331.1); and 4 more; short protein forms D1082H, D1109H, D1136H, D1147H, D1169H, D1174H, D1196H, D824H.
Identifiers: ClinVar variation 1025446 (VCV001025446.4), dbSNP rs752140903, ClinGen allele CA4771203.
Genomic context (GRCh38, chr8:67,195,432, plus strand): 5'-CCTCCTGTAGATGATGAGAGTTCACTGGTTGACCCTGATGACATCATGAAACACATAGGG[G>C]ATGACGGATCAAACTCTGTAGCAACTGAGCCCTGGCTCCGCCCTGGCACTTCAGAAACGC-3'
Protein context (NP_001369320.1, residues 1164-1184): DPDDIMKHIG[Asp1174His]DGSNSVATEP

ClinVar aggregate classification (germline): Uncertain significance (1 of 4 stars; one submission).

Conditions:
Joubert syndrome 21 (JBTS21). Identifiers: MedGen C3810212, MONDO:0014288, OMIM 615636.

Allele frequency attached by ClinVar (database versions not stated): ExAC 0.00002; TOPMed 0.00001; gnomAD exomes 0.00001.
gnomAD v4.1: 5 of 1,614,188 alleles (0.00031%); highest among the groups gnomAD compares: Admixed American, 0.0083%; no homozygotes.

Submission:

Labcorp Genetics (formerly Invitae), Labcorp
Classification: Uncertain significance for Joubert syndrome 21. Last evaluated: 2022-06-28. Review status: criteria provided, single submitter. Criteria: Invitae Variant Classification Sherloc (09022015). Collection method: clinical testing. Allele origin: germline.
Comment: This sequence change replaces aspartic acid, which is acidic and polar, with histidine, which is basic and polar, at codon 1169 of the CSPP1 protein (p.Asp1169His). This variant is present in population databases (rs752140903, gnomAD 0.009%). This variant has not been reported in the literature in individuals affected with CSPP1-related conditions. ClinVar contains an entry for this variant (Variation ID: 1025446). Algorithms developed to predict the effect of missense changes on protein structure and function (SIFT, PolyPhen-2, Align-GVGD) all suggest that this variant is likely to be tolerated. In summary, the available evidence is currently insufficient to determine the role of this variant in disease. Therefore, it has been classified as a Variant of Uncertain Significance.